The following is an entry in ClinVar:

ClinVar aggregate classification (germline): Pathogenic (1 of 4 stars; one submission).

Conditions:
Primary ciliary dyskinesia. Also called: Ciliary dyskinesia. Identifiers: Orphanet 244, MedGen C0008780, MONDO:0016575, HP:0012265.

Submission:

Labcorp Genetics (formerly Invitae), Labcorp
Classification: Pathogenic for Primary ciliary dyskinesia. Last evaluated: 2024-03-01. Review status: criteria provided, single submitter. Criteria: Invitae Variant Classification Sherloc (09022015). Collection method: clinical testing. Allele origin: germline.
Comment: This sequence change creates a premature translational stop signal (p.Met3438*) in the DNAH8 gene. It is expected to result in an absent or disrupted protein product. Loss-of-function variants in DNAH8 are known to be pathogenic (PMID: 24307375, 32619401, 32681648). This variant is not present in population databases (gnomAD no frequency). This variant has not been reported in the literature in individuals affected with DNAH8-related conditions. For these reasons, this variant has been classified as Pathogenic.

Literature cited by the submitters: PubMed 24307375; PubMed 32619401; PubMed 32681648.

NM_001206927.2(DNAH8):c.10311del (p.Leu3437_Met3438insTer)

Genes: DNAH8 (dynein axonemal heavy chain 8; plus strand), DNAH8-AS1 (DNAH8 antisense RNA 1; minus strand). Cytogenetic location: 6p21.2.
Variant type: Deletion.
Coding change: c.10311del on transcript NM_001206927.2 (MANE Select); coding-DNA position 10311, one base deleted (G; older notation c.10311delG).
Protein change: p.Leu3437_Met3438insTer.
Molecular consequence: frameshift variant.
Genome position (GRCh38, 1-based): chr6:38,917,927, G deleted. VCF-style (leftmost placement, unchanged base first): chr6-38917926-TG-T. GRCh37 (hg19) VCF-style: chr6-38885702-TG-T.
Other names: c.9660del, p.Leu3220_Met3221insTer (NM_001371.4).
Identifiers: ClinVar variation 3633686 (VCV003633686.2).
Genomic context (GRCh38, chr6:38,917,926, plus strand): 5'-TTAACTCAGGAAGAAAGTATTTTCTTCCAGAACTTACAGGTTATAATACTATTTTTCAGT[TG>T]ATGAGTGCAACAGGATTCCTGTGGAGCCTTCAGCAGTTCCCTAAGGACACTATAAATGAA-3'